The following is an entry in ClinVar:

ClinVar aggregate classification (germline): Conflicting classifications of pathogenicity. Review status: criteria provided, conflicting classifications (1 of 4 stars). 11 submissions from 10 submitters: Uncertain significance (1); Benign (2); Likely benign (8). Last evaluated 2026-09-01.

Conditions:
Autosomal dominant cerebellar ataxia. Also called: Spinocerebellar Ataxia, Dominant. Identifiers: Orphanet 99, MedGen C4087347, MONDO:0020380.
Inborn genetic diseases. Identifiers: MedGen C0950123, MeSH D030342.
DYNC1H1-related disorder. Also called: DYNC1H1-related condition; DYNC1H1-related disorders. Identifiers: MedGen CN381529.
Charcot-Marie-Tooth disease axonal type 2O. Also called: Charcot-Marie-Tooth Neuropathy Type 2O; Charcot-Marie-Tooth disease, axonal, type 20; CHARCOT-MARIE-TOOTH NEUROPATHY, AXONAL, TYPE 2O; CHARCOT-MARIE-TOOTH DISEASE, AXONAL, AUTOSOMAL DOMINANT, TYPE 2O. Identifiers: Orphanet 284232, MedGen C3280220, MONDO:0013644, OMIM 614228.

Allele frequency attached by ClinVar (database versions not stated): ESP Exome Variant Server 0.00015; gnomAD exomes 0.00020 and 0.00036; TOPMed 0.00023; gnomAD 0.00026 and 0.00030; ExAC 0.00040.
gnomAD v4.1: 339 of 1,614,040 alleles (0.021%); highest among the groups gnomAD compares: Admixed American, 0.052%; 1 homozygote.

Submissions (11):

CeGaT Center for Human Genetics Tuebingen
Classification: Likely benign. Last evaluated: 2026-09-01. Review status: criteria provided, single submitter. Criteria: CeGaT Center For Human Genetics Tuebingen Variant Classification Criteria Version 2. Collection method: clinical testing. Allele origin: germline. Affected: yes. Observed: 4 variant alleles.
Comment: DYNC1H1: PP2, BS1

Labcorp Genetics (formerly Invitae), Labcorp
Classification: Likely benign for Charcot-Marie-Tooth disease axonal type 2O. Last evaluated: 2026-01-09. Review status: criteria provided, single submitter. Criteria: Invitae Variant Classification Sherloc (09022015). Collection method: clinical testing. Allele origin: germline.

Women's Health and Genetics/Laboratory Corporation of America, LabCorp
Classification: Likely benign. Last evaluated: 2025-06-10. Review status: criteria provided, single submitter. Criteria: LabCorp Variant Classification Summary - May 2015. Collection method: clinical testing. Allele origin: germline.
Comment: Variant summary: DYNC1H1 c.7192C>T (p.Arg2398Cys) results in a non-conservative amino acid change in the encoded protein sequence. Algorithms developed to predict the effect of missense changes on protein structure and function are either unavailable or do not agree on the potential impact of this missense change. The variant allele was found at a frequency of 0.00036 in 251118 control chromosomes. The observed variant frequency is approximately 362.38 fold of the estimated maximal expected allele frequency for a pathogenic variant in DYNC1H1 causing Charcot-Marie-Tooth disease axonal type 2O phenotype (1e-06). To our knowledge, no occurrence of c.7192C>T in individuals affected with Charcot-Marie-Tooth disease axonal type 2O and no experimental evidence demonstrating its impact on protein function have been reported. ClinVar contains an entry for this variant (Variation ID: 285546). Based on the evidence outlined above, the variant was classified as likely benign.

PreventionGenetics, part of Exact Sciences
Classification: Likely benign for DYNC1H1-related condition. Last evaluated: 2025-01-03. Review status: criteria provided, single submitter. Criteria: ACMG Guidelines, 2015. Collection method: clinical testing. Allele origin: germline.
Comment: This variant is classified as likely benign based on ACMG/AMP sequence variant interpretation guidelines (Richards et al. 2015 PMID: 25741868, with internal and published modifications).

Blueprint Genetics
Classification: Likely benign. Last evaluated: 2024-11-27. Review status: criteria provided, single submitter. Criteria: ACMG Guidelines, 2015. Collection method: clinical testing. Allele origin: germline.

Ambry Genetics
Classification: Benign for Inborn genetic diseases. Last evaluated: 2020-01-09. Review status: criteria provided, single submitter. Criteria: Ambry Variant Classification Scheme 2023. Collection method: clinical testing. Allele origin: germline.

GeneDx
Classification: Likely benign. Last evaluated: 2020-01-09. Review status: criteria provided, single submitter. Criteria: GeneDx Variant Classification Process June 2021. Collection method: clinical testing. Allele origin: germline. Affected: yes.
Comment: This variant is associated with the following publications: (PMID: 26100331, 23891399)

Eurofins Ntd Llc (ga)
Classification: Uncertain significance. Last evaluated: 2018-08-10. Review status: criteria provided, single submitter. Criteria: EGL ClinVar v180209 classification definitions. Collection method: clinical testing. Allele origin: germline. Observed: 2 variant alleles, 2 heterozygotes.

Illumina Laboratory Services, Illumina
Classification: Likely benign for Charcot-Marie-Tooth disease axonal type 2O. Last evaluated: 2017-04-27. Review status: criteria provided, single submitter. Criteria: ICSL Variant Classification Criteria 13 December 2019. Collection method: clinical testing. Allele origin: germline.
Comment: This variant was observed as part of a predisposition screen in an ostensibly healthy population. A literature search was performed for the gene, cDNA change, and amino acid change (where applicable). No publications were found based on this search. Allele frequency data from public databases allowed determination this variant is unlikely to cause disease. Therefore, this variant is classified as likely benign.

Illumina Laboratory Services, Illumina
Classification: Benign for Spinocerebellar Ataxia, Dominant. Last evaluated: 2017-04-27. Review status: criteria provided, single submitter. Criteria: ICSL Variant Classification Criteria 13 December 2019. Collection method: clinical testing. Allele origin: germline.
Comment: This variant was observed as part of a predisposition screen in an ostensibly healthy population. A literature search was performed for the gene, cDNA change, and amino acid change (where applicable). No publications were found based on this search. Allele frequency data from public databases was too high to be consistent with this variant causing disease. Therefore, this variant is classified as benign.

Genetic Services Laboratory, University of Chicago
Classification: Likely benign. Last evaluated: 2016-08-30. Review status: criteria provided, single submitter. Criteria: ACMG Guidelines, 2015. Collection method: clinical testing. Allele origin: germline. Affected: no.

Literature cited by the submitters: PubMed 26100331 (cited by Ambry Genetics and Eurofins Ntd Llc (ga)).

NM_001376.5(DYNC1H1):c.7192C>T (p.Arg2398Cys)

Gene: DYNC1H1 (dynein cytoplasmic 1 heavy chain 1; plus strand). Cytogenetic location: 14q32.31.
Variant type: single nucleotide variant.
Coding change: c.7192C>T on transcript NM_001376.5 (MANE Select); coding-DNA position 7192, C replaced by T.
Protein change: p.Arg2398Cys; replaces arginine 2398 with cysteine.
Molecular consequence: missense variant.
Genome position (GRCh38, 1-based): chr14:102,015,282, C>T. VCF-style: chr14-102015282-C-T. GRCh37 (hg19) VCF-style: chr14-102481619-C-T.
Other names: short protein forms R2398C.
Identifiers: ClinVar variation 285546 (VCV000285546.54), dbSNP rs141525226, ClinGen allele CA7352756.